The following is an entry in ClinVar:

NM_002890.3(RASA1):c.207dup (p.Glu70fs)

Gene: RASA1 (RAS p21 protein activator 1; plus strand). Cytogenetic location: 5q14.3.
Variant type: Duplication.
Coding change: c.207dup on transcript NM_002890.3 (MANE Select); coding-DNA position 207, one base duplicated (A; older notation c.207dupA).
Protein change: p.Glu70fs; shifts the reading frame from glutamic acid 70.
Molecular consequence: frameshift variant.
Genome position (GRCh38, 1-based): chr5:87,268,658, A duplicated. VCF-style (leftmost placement, unchanged base first): chr5-87268657-C-CA. GRCh37 (hg19) VCF-style: chr5-86564474-C-CA.
Other names: short protein forms E70fs.
Identifiers: ClinVar variation 3068038 (VCV003068038.2), dbSNP rs2531002584, ClinGen allele CA2825001445.

ClinVar aggregate classification (germline): Pathogenic/Likely pathogenic. Review status: criteria provided, multiple submitters, no conflicts (2 of 4 stars). 2 submissions from 2 submitters: Pathogenic (1); Likely pathogenic (1). Last evaluated 2026-05-05.

Conditions:
Cerebral arteriovenous malformation (BAVM). Also called: Arteriovenous malformations of the brain; CEREBRAL ARTERIOVENOUS MALFORMATIONS. Identifiers: Orphanet 46724, MedGen C0917804, MONDO:0007154, OMIM 108010, HP:0002408.
Capillary malformation-arteriovenous malformation 1 (CMAVM1). Identifiers: Orphanet 137667, Orphanet 693907, MedGen C4747394, MONDO:0020783, OMIM 608354.

Submissions (2):

Clinical Genomics Laboratory, Washington University in St. Louis
Classification: Pathogenic for Cerebral arteriovenous malformation. Last evaluated: 2026-05-05. Review status: criteria provided, single submitter. Criteria: Leon-Quintero et al. (Clin Genet. 2025). Collection method: clinical testing. Allele origin: somatic. Affected: yes.
Comment: A RASA1 c.207dup (p.Glu70Argfs*42) variant was identified at an allelic fraction consistent with somatic origin. This variant, to our knowledge, has not been reported in the medical literature but has been reported in the ClinVar database as a germline likely pathogenic variant by one submitter (Variation ID: 3068038). It is absent from the general population (gnomAD v4.1.1), indicating it is not a common variant. The RASA1 c.207dup (p.Glu70Argfs*42) variant causes a frameshift by inserting a single nucleotide, leading to a premature termination codon, which is predicted to lead to nonsense-mediated decay. Based on the available information and an internally developed protocol informed by the ACMG/AMP guidelines for variant interpretation and gene-specific practices from the ClinGen Criteria Specification Registry (Leon-Quintero FZ et al., PMID: 39434542), the RASA1 c.207dup (p.Glu70Argfs*42) variant is classified as pathogenic.

Genomic Medicine Center of Excellence, King Faisal Specialist Hospital and Research Centre
Classification: Likely pathogenic for Capillary malformation-arteriovenous malformation 1. Last evaluated: 2024-04-04. Review status: criteria provided, single submitter. Criteria: ACMG Guidelines, 2015. Collection method: clinical testing. Allele origin: germline.